The following is an entry in ClinVar:

ClinVar aggregate classification (germline): Uncertain significance. Review status: criteria provided, single submitter (1 of 4 stars). 2 submissions from 2 submitters: Uncertain significance (1). 1 of the submissions does not count toward it. Last evaluated 2024-03-07.

Conditions:
Charcot-Marie-Tooth disease dominant intermediate B (CMTDIB). Also called: CHARCOT-MARIE-TOOTH NEUROPATHY, DOMINANT INTERMEDIATE B; Charcot-Marie-Tooth disease dominant intermediate 1; CMT DI1; Charcot-Marie-Tooth disease dominant intermediate I. Identifiers: Orphanet 100044, Orphanet 228179, MedGen C1847902, MONDO:0011674, OMIM 606482.

Submissions (2):

Labcorp Genetics (formerly Invitae), Labcorp
Classification: Uncertain significance for Charcot-Marie-Tooth disease dominant intermediate B. Last evaluated: 2024-03-07. Review status: criteria provided, single submitter. Criteria: Invitae Variant Classification Sherloc (09022015). Collection method: clinical testing. Allele origin: germline.
Comment: This variant results in the deletion of c.1885_1893+8del of the DNM2 gene. RNA analysis indicates that this variant induces altered splicing and likely results in the gain of 23 amino acid residue(s), but is expected to preserve the integrity of the reading-frame. This variant is not present in population databases (gnomAD no frequency). This variant has been observed in individual(s) with autosomal dominant centronuclear myopathy and/or DNM2-related conditions (PMID: 22396310, 37273706). It has also been observed to segregate with disease in related individuals. ClinVar contains an entry for this variant (Variation ID: 2664457). Studies have shown that this variant results in the activation of a cryptic splice site in intron 17 (PMID: 22396310). In summary, the available evidence is currently insufficient to determine the role of this variant in disease. Therefore, it has been classified as a Variant of Uncertain Significance.

Inherited Neuropathy Consortium Ii, University Of Miami
Classification: Uncertain significance for Charcot-Marie-Tooth disease dominant intermediate B. Last evaluated: 2016-01-06. Review status: no assertion criteria provided. Collection method: literature only. Allele origin: germline. Affected: yes. Not counted in ClinVar's aggregate classification.

Literature cited by the submitters: PubMed 22396310 (cited by Labcorp Genetics (formerly Invitae), Labcorp and Inherited Neuropathy Consortium Ii, University Of Miami); PubMed 37273706 (cited by Labcorp Genetics (formerly Invitae), Labcorp).

NM_001005361.3(DNM2):c.1885_1893+8del

Gene: DNM2 (dynamin 2; plus strand). Cytogenetic location: 19p13.2.
Variant type: Deletion.
Coding change: c.1885_1893+8del on transcript NM_001005361.3 (MANE Select); coding-DNA position 1885 through 8 bases into the intron after coding-DNA position 1893, 17 bases deleted (AAGGACCAGGTGAGGAG).
Molecular consequence: splice donor variant.
Genome position (GRCh38, 1-based): chr19:10,823,891-10,823,907, AAGGACCAGGTGAGGAG deleted; deleting any 17 consecutive bases within chr19:10,823,888-10,823,907 gives the same sequence; the c. name uses the placement nearest the transcript's 3' end. VCF-style (leftmost placement, unchanged base first): chr19-10823887-CGAGAAGGACCAGGTGAG-C. GRCh37 (hg19) VCF-style: chr19-10934563-CGAGAAGGACCAGGTGAG-C.
Other names: c.1885_1893+8del (NM_001005360.3, NM_001190716.2); c.1873_1881+8del (NM_004945.4, NM_001005362.3).
Identifiers: ClinVar variation 2664457 (VCV002664457.3), dbSNP rs2513349078, ClinGen allele CA2695198126.
Genomic context (GRCh38, chr19:10,823,887, plus strand): 5'-TGACTCCCAGGAAGACGTGGACAGCTGGAAGGCCTCGTTCCTCCGAGCTGGCGTCTACCC[CGAGAAGGACCAGGTGAG>C]GAGCCGTCCTGCGCAGCCAGGCCCAGAGCCCCCACCTGGGAGAGGAAGCAGGGCTGGCTT-3'